The following is an entry in ClinVar:

ClinVar aggregate classification (germline): Conflicting classifications of pathogenicity. Review status: criteria provided, conflicting classifications (1 of 4 stars). 7 submissions from 7 submitters: Uncertain significance (6); Benign (1). Last evaluated 2026-01-26.

Conditions:
Hereditary cancer-predisposing syndrome. Also called: Tumor predisposition; Hereditary neoplastic syndrome; Neoplastic Syndromes, Hereditary; Hereditary Cancer Syndrome. Identifiers: Orphanet 140162, MedGen C0027672, MeSH D009386, MONDO:0015356.
Familial adenomatous polyposis 2. Also called: FAP type 2; MUTYH Polyposis; MUTYH-related attenuated familial adenomatous polyposis; COLORECTAL ADENOMATOUS POLYPOSIS, AUTOSOMAL RECESSIVE; ADENOMAS, MULTIPLE COLORECTAL, AUTOSOMAL RECESSIVE; Adenomas, multiple colorectal. Identifiers: Orphanet 220460, Orphanet 247798, MedGen C3272841, MONDO:0012041, OMIM 608456.

Allele frequency attached by ClinVar (database versions not stated): ExAC 0.00001; gnomAD 0.00002; gnomAD exomes 0.00002; TOPMed 0.00002.
gnomAD v4.1: 40 of 1,614,080 alleles (0.0025%); highest among the groups gnomAD compares: Non-Finnish European, 0.003%; no homozygotes.

Submissions (7):

Labcorp Genetics (formerly Invitae), Labcorp
Classification: Uncertain significance for Familial adenomatous polyposis 2. Last evaluated: 2026-01-26. Review status: criteria provided, single submitter. Criteria: Invitae Variant Classification Sherloc (09022015). Collection method: clinical testing. Allele origin: germline.
Comment: This sequence change replaces serine, which is neutral and polar, with asparagine, which is neutral and polar, at codon 298 of the MUTYH protein (p.Ser298Asn). This variant is present in population databases (rs757080586, gnomAD 0.007%). This variant has not been reported in the literature in individuals affected with MUTYH-related conditions. ClinVar contains an entry for this variant (Variation ID: 246503). An algorithm developed to predict the effect of missense changes on protein structure and function outputs the following: PolyPhen-2: "Benign". The asparagine amino acid residue is found in multiple mammalian species, which suggests that this missense change does not adversely affect protein function. In summary, the available evidence is currently insufficient to determine the role of this variant in disease. Therefore, it has been classified as a Variant of Uncertain Significance.

Ambry Genetics
Classification: Benign for Hereditary cancer-predisposing syndrome. Last evaluated: 2025-09-09. Review status: criteria provided, single submitter. Criteria: Ambry Variant Classification Scheme 2023. Collection method: clinical testing. Allele origin: germline.

Molecular Pathology, Peter Maccallum Cancer Centre
Classification: Uncertain significance for Familial adenomatous polyposis 2. Last evaluated: 2024-12-13. Review status: criteria provided, single submitter. Criteria: ACMG Guidelines, 2015. Collection method: clinical testing. Allele origin: germline. Inheritance: Autosomal recessive inheritance.

Quest Diagnostics Nichols Institute San Juan Capistrano
Classification: Uncertain significance. Last evaluated: 2024-08-21. Review status: criteria provided, single submitter. Criteria: Quest Diagnostics criteria. Collection method: clinical testing. Allele origin: unknown.
Comment: The MUTYH c.893G>A (p.Ser298Asn) variant has been reported in the published literature in a large-scale breast cancer association study in individuals with breast cancer as well as reportedly healthy individuals (PMID: 33471991 (2021), see also LOVD). The frequency of this variant in the general population, 0.000016 (4/251216 chromosomes (Genome Aggregation Database)), is uninformative in the assessment of its pathogenicity. Analysis of this variant using bioinformatics tools for the prediction of the effect of amino acid changes on protein structure and function yielded predictions that this variant is benign. Based on the available information, we are unable to determine the clinical significance of this variant.

GeneDx
Classification: Uncertain significance. Last evaluated: 2024-05-01. Review status: criteria provided, single submitter. Criteria: GeneDx Variant Classification Process June 2021. Collection method: clinical testing. Allele origin: germline. Affected: yes.
Comment: Not observed at significant frequency in large population cohorts (gnomAD); In silico analysis supports that this missense variant does not alter protein structure/function; Has not been previously published as pathogenic or benign to our knowledge; This variant is associated with the following publications: (PMID: 11092888, 11160897, 16879101, 20816984)

All of Us Research Program, National Institutes of Health
Classification: Uncertain significance for Familial adenomatous polyposis 2. Last evaluated: 2024-03-14. Review status: criteria provided, single submitter. Criteria: ACMG Guidelines, 2015. Collection method: clinical testing. Allele origin: germline. Inheritance: Autosomal recessive inheritance. Observed: 6 variant alleles, 6 heterozygotes.
Comment: This missense variant replaces serine with asparagine at codon 298 of the MUTYH protein. Computational prediction suggests that this variant may not impact protein structure and function (internally defined REVEL score threshold <= 0.5, PMID: 27666373). To our knowledge, functional studies have not been performed for this variant. This variant has not been reported in individuals affected with hereditary cancer in the literature. This variant has been identified in 4/251216 chromosomes in the general population by the Genome Aggregation Database (gnomAD). The available evidence is insufficient to determine the role of this variant in disease conclusively. Therefore, this variant is classified as a Variant of Uncertain Significance.

This study involves interpretation of variants in research participants for the purpose of population health screening. Participant phenotype was not available at the time of variant classification. Additional details can be found in publication PMID: 35346344, PMCID: PMC8962531

Color Diagnostics, LLC DBA Color Health
Classification: Uncertain significance for Hereditary cancer-predisposing syndrome. Last evaluated: 2023-10-03. Review status: criteria provided, single submitter. Criteria: ACMG Guidelines, 2015. Collection method: clinical testing. Allele origin: germline.
Comment: This missense variant replaces serine with asparagine at codon 298 of the MUTYH protein. Computational prediction suggests that this variant may not impact protein structure and function (internally defined REVEL score threshold <= 0.5, PMID: 27666373). To our knowledge, functional studies have not been performed for this variant. This variant has not been reported in individuals affected with hereditary cancer in the literature. This variant has been identified in 4/251216 chromosomes in the general population by the Genome Aggregation Database (gnomAD). The available evidence is insufficient to determine the role of this variant in disease conclusively. Therefore, this variant is classified as a Variant of Uncertain Significance.

Literature cited by the submitters: PubMed 40738107 (cited by Ambry Genetics); PubMed 33471991 (cited by Quest Diagnostics Nichols Institute San Juan Capistrano).

NM_001048174.2(MUTYH):c.809G>A (p.Ser270Asn)

Gene: MUTYH (mutY DNA glycosylase; minus strand). Cytogenetic location: 1p34.1.
Variant type: single nucleotide variant.
Coding change: c.809G>A on transcript NM_001048174.2 (MANE Select); coding-DNA position 809, G replaced by A.
Protein change: p.Ser270Asn; replaces serine 270 with asparagine.
Molecular consequence: missense variant. On other transcripts: non-coding transcript variant (2).
Genome position (GRCh38, 1-based): chr1:45,332,206, C>T on the plus strand (G>A on the coding strand, the complement: MUTYH is on the minus strand). VCF-style: chr1-45332206-C-T. GRCh37 (hg19) VCF-style: chr1-45797878-C-T.
Other names: c.809G>A, p.Ser270Asn (NM_001048171.2, NM_001048173.2, NM_001293195.2); c.812G>A, p.Ser271Asn (NM_001048172.2); c.893G>A, p.Ser298Asn (NM_001128425.2); c.854G>A, p.Ser285Asn (NM_001293190.2); c.842G>A, p.Ser281Asn (NM_001293191.2); c.533G>A, p.Ser178Asn (NM_001293192.2, NM_001293196.2); c.464G>A, p.Ser155Asn (NM_001350650.2, NM_001350651.2); c.884G>A, p.Ser295Asn (NM_012222.3); short protein forms S298N, S270N, S281N, S295N, S285N, S155N, S271N, S178N.
Identifiers: ClinVar variation 246503 (VCV000246503.31), dbSNP rs757080586, ClinGen allele CA059524.